The following is an entry in ClinVar:

NM_000552.5(VWF):c.971G>A (p.Arg324Gln)

Gene: VWF (von Willebrand factor; minus strand). Cytogenetic location: 12p13.31.
Variant type: single nucleotide variant.
Coding change: c.971G>A on transcript NM_000552.5 (MANE Select); coding-DNA position 971, G replaced by A.
Protein change: p.Arg324Gln; replaces arginine 324 with glutamine.
Molecular consequence: missense variant.
Genome position (GRCh38, 1-based): chr12:6,073,645, C>T on the plus strand (G>A on the coding strand, the complement: VWF is on the minus strand). VCF-style: chr12-6073645-C-T. GRCh37 (hg19) VCF-style: chr12-6182811-C-T.
Other names: c.971G>A (NM_000552.3); short protein forms R324Q.
Identifiers: ClinVar variation 100513 (VCV000100513.3), dbSNP rs61754001, ClinGen allele CA228864.

ClinVar aggregate classification (germline): Uncertain significance. Review status: criteria provided, multiple submitters, no conflicts (2 of 4 stars). 3 submissions from 3 submitters: Uncertain significance (2). 1 of the submissions does not count toward it. Last evaluated 2025-04-22.

Conditions:
von Willebrand disease type 1 (VWD1). Also called: VWD, TYPE 1; VON WILLEBRAND DISEASE, TYPE I. Identifiers: Orphanet 166078, Orphanet 903, MedGen C1264039, MONDO:0008668, OMIM 193400. Inheritance: autosomal recessive or autosomal dominant.

Allele frequency attached by ClinVar (database versions not stated): gnomAD 0.00001; ExAC 0.00002; TOPMed 0.00002; gnomAD exomes 0.00003; 1000 Genomes Project 30x 0.00016; 1000 Genomes Project 0.00020.
gnomAD v4.1: 13 of 1,614,110 alleles (0.00081%); highest among the groups gnomAD compares: African/African-American, 0.0027%; no homozygotes.

Submissions (3):

GeneDx
Classification: Uncertain significance. Last evaluated: 2025-04-22. Review status: criteria provided, single submitter. Criteria: GeneDx Variant Classification Process June 2021. Collection method: clinical testing. Allele origin: germline. Affected: yes.
Comment: Reported in an individual with type 1 von Willebrand disease (PMID: 23702511); Published functional studies suggest an increase in intracellular VWF compared to WT; however, further studies are needed (PMID: 23702511); In silico analysis indicates that this missense variant does not alter protein structure/function; This variant is associated with the following publications: (PMID: 34426522, 37647632, 23702511)

Genomic Medicine Center of Excellence, King Faisal Specialist Hospital and Research Centre
Classification: Uncertain significance for von Willebrand disease type 1. Last evaluated: 2024-03-26. Review status: criteria provided, single submitter. Criteria: ACMG Guidelines, 2015. Collection method: clinical testing. Allele origin: germline.

Academic Unit of Haematology, University of Sheffield
No classification provided. Review status: no classification provided. Collection method: not provided. Allele origin: not provided. Not counted in ClinVar's aggregate classification.